The following is an entry in ClinVar:

NM_000218.3(KCNQ1):c.1059G>A (p.Leu353=)

Gene: KCNQ1 (potassium voltage-gated channel subfamily Q member 1; plus strand). Cytogenetic location: 11p15.5.
Variant type: single nucleotide variant.
Coding change: c.1059G>A on transcript NM_000218.3 (MANE Select); coding-DNA position 1059, G replaced by A.
Protein change: p.Leu353=; no amino-acid change (leucine 353 retained).
Molecular consequence: synonymous variant. On other transcripts: intron variant (2).
Genome position (GRCh38, 1-based): chr11:2,585,238, G>A. VCF-style: chr11-2585238-G-A. GRCh37 (hg19) VCF-style: chr11-2606468-G-A.
Other names: c.789G>A, p.Leu263= (NM_001406837.1); c.678G>A, p.Leu226= (NM_181798.2); c.1032+1693G>A (NM_001406836.1); c.588+1693G>A (NM_001406838.1).
Identifiers: ClinVar variation 1272228 (VCV001272228.4), dbSNP rs2133754589, ClinGen allele CA16609322.

ClinVar aggregate classification (germline): Uncertain significance. Review status: criteria provided, multiple submitters, no conflicts (2 of 4 stars). 2 submissions from 2 submitters: Uncertain significance (2). Last evaluated 2024-02-29.

Submissions (2):

Blueprint Genetics
Classification: Uncertain significance. Last evaluated: 2024-02-29. Review status: criteria provided, single submitter. Criteria: ACMG Guidelines, 2015. Collection method: clinical testing. Allele origin: germline.

GeneDx
Classification: Uncertain significance. Last evaluated: 2020-08-19. Review status: criteria provided, single submitter. Criteria: GeneDx Variant Classification Process June 2021. Collection method: clinical testing. Allele origin: germline. Affected: yes.
Comment: Published splicing studies suggest an increase in skipping of exon 8 in blood cells of individuals with this variant compared to controls (Kapplinger et al., 2017); however, the clinical relevance of this finding has not been fully established; Not observed in large population cohorts (Lek et al., 2016); In silico analysis supports that this variant does not alter splicing; This variant is associated with the following publications: (PMID: 28264985)